The following is an entry in ClinVar:

ClinVar aggregate classification (germline): Benign/Likely benign. Review status: criteria provided, multiple submitters, no conflicts (2 of 4 stars). 2 submissions from 2 submitters: Benign (1); Likely benign (1). Last evaluated 2025-08-20.

Conditions:
Familial cancer of breast. Also called: BREAST CANCER, FAMILIAL; Hereditary breast cancer; hereditary breast carcinoma. Identifiers: Orphanet 227535, MedGen C0346153, MONDO:0016419, OMIM 114480. Disease mechanism: loss of function.
Hereditary cancer-predisposing syndrome. Also called: Hereditary Cancer Syndrome; Tumor predisposition; Hereditary neoplastic syndrome; Neoplastic Syndromes, Hereditary. Identifiers: Orphanet 140162, MedGen C0027672, MeSH D009386, MONDO:0015356.

Submissions (2):

Ambry Genetics
Classification: Likely benign for Hereditary cancer-predisposing syndrome. Last evaluated: 2025-08-20. Review status: criteria provided, single submitter. Criteria: Ambry Variant Classification Scheme 2023. Collection method: clinical testing. Allele origin: germline.

Myriad Genetics, Inc.
Classification: Benign for Familial cancer of breast. Last evaluated: 2024-05-22. Review status: criteria provided, single submitter. Criteria: Myriad Autosomal Dominant, Autosomal Recessive and X-Linked Classification Criteria (2023). Collection method: clinical testing. Allele origin: unknown.
Comment: This variant is considered benign. This variant is a silent/synonymous amino acid change and it is not expected to impact splicing.

NM_000051.4(ATM):c.5055C>G (p.Thr1685=)

Gene: ATM (ATM serine/threonine kinase; plus strand). Cytogenetic location: 11q22.3.
Variant type: single nucleotide variant.
Coding change: c.5055C>G on transcript NM_000051.4 (MANE Select); coding-DNA position 5055, C replaced by G.
Protein change: p.Thr1685=; no amino-acid change (threonine 1685 retained).
Molecular consequence: synonymous variant.
Genome position (GRCh38, 1-based): chr11:108,299,763, C>G. VCF-style: chr11-108299763-C-G. GRCh37 (hg19) VCF-style: chr11-108170490-C-G.
Other names: c.5055C>G, p.Thr1685= (NM_001351834.2).
Identifiers: ClinVar variation 3254341 (VCV003254341.2), dbSNP rs587780551.